The following is an entry in ClinVar:

ClinVar aggregate classification (germline): Uncertain significance (1 of 4 stars; one submission).

gnomAD v4.1: 6 of 1,614,194 alleles (0.00037%); highest among the groups gnomAD compares: Non-Finnish European, 0.00051%; no homozygotes.

Submission:

Labcorp Genetics (formerly Invitae), Labcorp
Classification: Uncertain significance. Last evaluated: 2025-12-17. Review status: criteria provided, single submitter. Criteria: Invitae Variant Classification Sherloc (09022015). Collection method: clinical testing. Allele origin: germline.
Comment: This sequence change replaces arginine, which is basic and polar, with threonine, which is neutral and polar, at codon 2114 of the CEP250 protein (p.Arg2114Thr). This variant is not present in population databases (gnomAD no frequency). This variant has not been reported in the literature in individuals affected with CEP250-related conditions. An algorithm developed to predict the effect of missense changes on protein structure and function (PolyPhen-2) suggests that this variant is likely to be disruptive. In summary, the available evidence is currently insufficient to determine the role of this variant in disease. Therefore, it has been classified as a Variant of Uncertain Significance.

NM_007186.6(CEP250):c.6341G>C (p.Arg2114Thr)

Gene: CEP250 (centrosomal protein 250; plus strand). Cytogenetic location: 20q11.22.
Variant type: single nucleotide variant.
Coding change: c.6341G>C on transcript NM_007186.6 (MANE Select); coding-DNA position 6341, G replaced by C.
Protein change: p.Arg2114Thr; replaces arginine 2114 with threonine.
Molecular consequence: missense variant.
Genome position (GRCh38, 1-based): chr20:35,504,710, G>C. VCF-style: chr20-35504710-G-C. GRCh37 (hg19) VCF-style: chr20-34092538-G-C.
Other names: c.4445G>C, p.Arg1482Thr (NM_001318219.1); short protein forms R2114T, R1482T.
Identifiers: ClinVar variation 4698437 (VCV004698437.1).
Genomic context (GRCh38, chr20:35,504,710, plus strand): 5'-AGAGTGTAAGGGAGCTACAGCTGACTCTAGCCCAAAAGGAACAGGAGATTCTGGAGCTGA[G>C]GGAGACCCAGCAAAGGAACAACCTGGAAGCCTTACCCCACAGCCACAAAACCTCCCCAAT-3'
Protein context (NP_009117.2, residues 2104-2124): AQKEQEILEL[Arg2114Thr]ETQQRNNLEA